The following is an entry in ClinVar:

NM_001458.5(FLNC):c.1512C>T (p.Ala504=)

Gene: FLNC (filamin C; plus strand). Cytogenetic location: 7q32.1.
Variant type: single nucleotide variant.
Coding change: c.1512C>T on transcript NM_001458.5 (MANE Select); coding-DNA position 1512, C replaced by T.
Protein change: p.Ala504=; no amino-acid change (alanine 504 retained).
Molecular consequence: synonymous variant.
Genome position (GRCh38, 1-based): chr7:128,840,123, C>T. VCF-style: chr7-128840123-C-T. GRCh37 (hg19) VCF-style: chr7-128480177-C-T.
Other names: c.1512C>T, p.Ala504= (NM_001127487.2).
Identifiers: ClinVar variation 1774240 (VCV001774240.8), dbSNP rs768868050, ClinGen allele CA4474364.

ClinVar aggregate classification (germline): Likely benign. Review status: criteria provided, multiple submitters, no conflicts (2 of 4 stars). 3 submissions from 3 submitters: Likely benign (3). Last evaluated 2026-01-27.

Conditions:
Cardiovascular phenotype. Identifiers: MedGen CN230736.
Distal myopathy with posterior leg and anterior hand involvement. Also called: WILLIAMS DISTAL MYOPATHY. Identifiers: Orphanet 63273, MedGen C3279722, MONDO:0013550, OMIM 614065.
Hypertrophic cardiomyopathy 26. Also called: Cardiomyopathy, familial hypertrophic, 26. Identifiers: Orphanet 75249, MedGen C4310749, MONDO:0014883, OMIM 617047.
Myofibrillar myopathy 5. Also called: Filaminopathy (type); FILAMINOPATHY, AUTOSOMAL DOMINANT. Identifiers: Orphanet 171445, MedGen C1836050, MONDO:0012289, OMIM 609524.
FLNC-related disorder. Also called: FLNC-related condition; FLNC-related disorders.

Allele frequency attached by ClinVar (database versions not stated): ExAC 0.00001; gnomAD 0.00001; gnomAD exomes 0.00001.
gnomAD v4.1: 14 of 1,613,950 alleles (0.00087%); highest among the groups gnomAD compares: Non-Finnish European, 0.0012%; no homozygotes.

Submissions (3):

Labcorp Genetics (formerly Invitae), Labcorp
Classification: Likely benign for Distal myopathy with posterior leg and anterior hand involvement; Myofibrillar myopathy 5; Hypertrophic cardiomyopathy 26. Last evaluated: 2026-01-27. Review status: criteria provided, single submitter. Criteria: Invitae Variant Classification Sherloc (09022015). Collection method: clinical testing. Allele origin: germline.

PreventionGenetics, part of Exact Sciences
Classification: Likely benign for FLNC-related condition. Last evaluated: 2026-01-13. Review status: criteria provided, single submitter. Criteria: ACMG Guidelines, 2015. Collection method: clinical testing. Allele origin: germline.
Comment: This variant is classified as likely benign based on ACMG/AMP sequence variant interpretation guidelines (Richards et al. 2015 PMID: 25741868, with internal and published modifications).

Ambry Genetics
Classification: Likely benign for Cardiovascular phenotype. Last evaluated: 2020-08-09. Review status: criteria provided, single submitter. Criteria: Ambry Variant Classification Scheme 2023. Collection method: clinical testing. Allele origin: germline.